The following is an entry in ClinVar:

ClinVar aggregate classification (germline): Likely benign. Review status: criteria provided, single submitter (1 of 4 stars). 2 submissions from 2 submitters: Likely benign (1). 1 of the submissions does not count toward it. Last evaluated 2023-04-22.

Conditions:
ABCB4-related disorder. Also called: ABCB4-related disorders; ABCB4-related condition.

Allele frequency attached by ClinVar (database versions not stated): ExAC 0.00001; gnomAD 0.00001; gnomAD exomes 0.00002; 1000 Genomes Project 30x 0.00016; 1000 Genomes Project 0.00020.
gnomAD v4.1: 11 of 1,613,962 alleles (0.00068%); highest among the groups gnomAD compares: East Asian, 0.025%; no homozygotes.

Submissions (2):

Labcorp Genetics (formerly Invitae), Labcorp
Classification: Likely benign. Last evaluated: 2023-04-22. Review status: criteria provided, single submitter. Criteria: Invitae Variant Classification Sherloc (09022015). Collection method: clinical testing. Allele origin: germline.

PreventionGenetics, part of Exact Sciences
Classification: Likely benign for ABCB4-related condition. Last evaluated: 2022-01-17. Review status: no assertion criteria provided. Collection method: clinical testing. Allele origin: germline. Not counted in ClinVar's aggregate classification.
Comment: This variant is classified as likely benign based on ACMG/AMP sequence variant interpretation guidelines (Richards et al. 2015 PMID: 25741868, with internal and published modifications).

NM_000443.4(ABCB4):c.879A>G (p.Lys293=)

Gene: ABCB4 (ATP binding cassette subfamily B member 4; minus strand). Cytogenetic location: 7q21.12.
Variant type: single nucleotide variant.
Coding change: c.879A>G on transcript NM_000443.4 (MANE Select); coding-DNA position 879, A replaced by G.
Protein change: p.Lys293=; no amino-acid change (lysine 293 retained).
Molecular consequence: synonymous variant.
Genome position (GRCh38, 1-based): chr7:87,447,160, T>C on the plus strand (A>G on the coding strand, the complement: ABCB4 is on the minus strand). VCF-style: chr7-87447160-T-C. GRCh37 (hg19) VCF-style: chr7-87076476-T-C.
Other names: c.879A>G (NM_000443.3); c.879A>G, p.Lys293= (NM_018849.3, NM_018850.3).
Identifiers: ClinVar variation 2896805 (VCV002896805.5), dbSNP rs544727349, ClinGen allele CA4327429.